The following is an entry in ClinVar:

NM_000179.3(MSH6):c.903G>C (p.Lys301Asn)

Gene: MSH6 (mutS homolog 6; plus strand). Cytogenetic location: 2p16.3.
Variant type: single nucleotide variant.
Coding change: c.903G>C on transcript NM_000179.3 (MANE Select); coding-DNA position 903, G replaced by C.
Protein change: p.Lys301Asn; replaces lysine 301 with asparagine.
Molecular consequence: missense variant. On other transcripts: 5 prime UTR variant (2).
Genome position (GRCh38, 1-based): chr2:47,798,886, G>C. VCF-style: chr2-47798886-G-C. GRCh37 (hg19) VCF-style: chr2-48026025-G-C.
Other names: c.513G>C, p.Lys171Asn (NM_001281492.2); c.-4G>C (NM_001281493.2, NM_001281494.2); short protein forms K301N, K171N.
Identifiers: ClinVar variation 962527 (VCV000962527.10), dbSNP rs1553412337, ClinGen allele CA346740705.

ClinVar aggregate classification (germline): Uncertain significance (1 of 4 stars; one submission).

Conditions:
Hereditary nonpolyposis colorectal neoplasms. Identifiers: MedGen C0009405, MeSH D003123.

Submission:

Labcorp Genetics (formerly Invitae), Labcorp
Classification: Uncertain significance for Hereditary nonpolyposis colorectal neoplasms. Last evaluated: 2023-11-27. Review status: criteria provided, single submitter. Criteria: Invitae Variant Classification Sherloc (09022015). Collection method: clinical testing. Allele origin: germline.
Comment: This sequence change replaces lysine, which is basic and polar, with asparagine, which is neutral and polar, at codon 301 of the MSH6 protein (p.Lys301Asn). This variant is not present in population databases (gnomAD no frequency). This variant has not been reported in the literature in individuals affected with MSH6-related conditions. ClinVar contains an entry for this variant (Variation ID: 962527). Advanced modeling of protein sequence and biophysical properties (such as structural, functional, and spatial information, amino acid conservation, physicochemical variation, residue mobility, and thermodynamic stability) performed at Invitae indicates that this missense variant is not expected to disrupt MSH6 protein function with a negative predictive value of 95%. Experimental studies have shown that this missense change affects MSH6 function (PMID: 22851212). In summary, the available evidence is currently insufficient to determine the role of this variant in disease. Therefore, it has been classified as a Variant of Uncertain Significance.

Literature cited by the submitters: PubMed 22851212.